The following is an entry in ClinVar:

NM_198576.4(AGRN):c.125A>C (p.Glu42Ala)

Gene: AGRN (agrin; plus strand). Cytogenetic location: 1p36.33.
Variant type: single nucleotide variant.
Coding change: c.125A>C on transcript NM_198576.4 (MANE Select); coding-DNA position 125, A replaced by C.
Protein change: p.Glu42Ala; replaces glutamic acid 42 with alanine.
Molecular consequence: missense variant.
Genome position (GRCh38, 1-based): chr1:1,020,297, A>C. VCF-style: chr1-1020297-A-C. GRCh37 (hg19) VCF-style: chr1-955677-A-C.
Other names: c.125A>C, p.Glu42Ala (NM_001305275.2); short protein forms E42A.
Identifiers: ClinVar variation 774056 (VCV000774056.13), dbSNP rs757604648, ClinGen allele CA507764.

ClinVar aggregate classification (germline): Likely benign. Review status: criteria provided, single submitter (1 of 4 stars). 2 submissions from 2 submitters: Likely benign (1). 1 of the submissions does not count toward it. Last evaluated 2025-12-31.

Conditions:
AGRN-related disorder. Also called: AGRN-related condition.
Congenital myasthenic syndrome 8. Also called: MYASTHENIC SYNDROME, CONGENITAL, DUE TO AGRIN DEFICIENCY; Myasthenic syndrome, congenital, 8, with pre- and postsynaptic defects. Identifiers: Orphanet 590, MedGen C3808739, MONDO:0014052, OMIM 615120.

Allele frequency attached by ClinVar (database versions not stated): gnomAD 0.00015 and 0.00019; TOPMed 0.00019; ExAC 0.00036; gnomAD exomes 0.00037; 1000 Genomes Project 30x 0.00047.
gnomAD v4.1: 137 of 1,476,170 alleles (0.0093%); highest among the groups gnomAD compares: East Asian, 0.26%; 1 homozygote.

Submissions (2):

Labcorp Genetics (formerly Invitae), Labcorp
Classification: Likely benign for Congenital myasthenic syndrome 8. Last evaluated: 2025-12-31. Review status: criteria provided, single submitter. Criteria: Invitae Variant Classification Sherloc (09022015). Collection method: clinical testing. Allele origin: germline.

PreventionGenetics, part of Exact Sciences
Classification: Benign for AGRN-related condition. Last evaluated: 2020-01-20. Review status: no assertion criteria provided. Collection method: clinical testing. Allele origin: germline. Not counted in ClinVar's aggregate classification.
Comment: This variant is classified as benign based on ACMG/AMP sequence variant interpretation guidelines (Richards et al. 2015 PMID: 25741868, with internal and published modifications).